The following is an entry in ClinVar:

ClinVar aggregate classification (germline): Uncertain significance (1 of 4 stars; one submission).

Submission:

Ambry Genetics
Classification: Uncertain significance. Last evaluated: 2024-11-28. Review status: criteria provided, single submitter. Criteria: Ambry Variant Classification Scheme 2023. Collection method: clinical testing. Allele origin: germline.
Comment: The p.L259P variant (also known as c.776T>C), located in coding exon 1 of the MC1R gene, results from a T to C substitution at nucleotide position 776. The leucine at codon 259 is replaced by proline, an amino acid with similar properties. This amino acid position is conserved. In addition, this alteration is predicted to be deleterious by in silico analysis. Based on the available evidence, the clinical significance of this variant remains unclear.

NM_002386.4(MC1R):c.776T>C (p.Leu259Pro)

Gene: MC1R (melanocortin 1 receptor; plus strand). Cytogenetic location: 16q24.3.
Variant type: single nucleotide variant.
Coding change: c.776T>C on transcript NM_002386.4 (MANE Select); coding-DNA position 776, T replaced by C.
Protein change: p.Leu259Pro; replaces leucine 259 with proline.
Molecular consequence: missense variant.
Genome position (GRCh38, 1-based): chr16:89,920,034, T>C. VCF-style: chr16-89920034-T-C. GRCh37 (hg19) VCF-style: chr16-89986442-T-C.
Other names: short protein forms L259P.
Identifiers: ClinVar variation 3543982 (VCV003543982.1).
Genomic context (GRCh38, chr16:89,920,034, plus strand): 5'-GCGCTGTCACCCTCACCATCCTGCTGGGCATTTTCTTCCTCTGCTGGGGCCCCTTCTTCC[T>C]GCATCTCACACTCATCGTCCTCTGCCCCGAGCACCCCACGTGCGGCTGCATCTTCAAGAA-3'
Protein context (NP_002377.4, residues 249-269): IFFLCWGPFF[Leu259Pro]HLTLIVLCPE